The following is an entry in ClinVar:

ClinVar aggregate classification (germline): Pathogenic (1 of 4 stars; one submission).

Conditions:
Bloom syndrome (BLM). Also called: Bloom-Torre-Machacek syndrome. Identifiers: Orphanet 125, MedGen C0005859, MONDO:0008876, OMIM 210900.

Submission:

Labcorp Genetics (formerly Invitae), Labcorp
Classification: Pathogenic for Bloom syndrome. Last evaluated: 2023-08-06. Review status: criteria provided, single submitter. Criteria: Invitae Variant Classification Sherloc (09022015). Collection method: clinical testing. Allele origin: germline.
Comment: This sequence change creates a premature translational stop signal (p.Ser328Leufs*21) in the BLM gene. It is expected to result in an absent or disrupted protein product. Loss-of-function variants in BLM are known to be pathogenic (PMID: 17407155). This variant is not present in population databases (gnomAD no frequency). This variant has not been reported in the literature in individuals affected with BLM-related conditions. For these reasons, this variant has been classified as Pathogenic.

Literature cited by the submitters: PubMed 17407155.

NM_000057.4(BLM):c.982del (p.Ser328fs)

Gene: BLM (BLM RecQ like helicase; plus strand). Cytogenetic location: 15q26.1.
Variant type: Deletion.
Coding change: c.982del on transcript NM_000057.4 (MANE Select); coding-DNA position 982, one base deleted (T; older notation c.982delT).
Protein change: p.Ser328fs; shifts the reading frame from serine 328.
Molecular consequence: frameshift variant. On other transcripts: 5 prime UTR variant (1).
Genome position (GRCh38, 1-based): chr15:90,754,833, T deleted. VCF-style (leftmost placement, unchanged base first): chr15-90754832-CT-C. GRCh37 (hg19) VCF-style: chr15-91298062-CT-C.
Other names: c.982del, p.Ser328fs (NM_001287246.2, NM_001287247.2); c.-310del (NM_001287248.2); short protein forms S328fs.
Identifiers: ClinVar variation 2750607 (VCV002750607.3), dbSNP rs2505406729, ClinGen allele CA2697549327.